The following is an entry in ClinVar:

ClinVar aggregate classification (germline): Pathogenic (1 of 4 stars; one submission).

Conditions:
Neurofibromatosis, type 2 (SWNV). Also called: BILATERAL ACOUSTIC NEUROFIBROMATOSIS; NF2-Related Schwannomatosis; SCHWANNOMATOSIS, VESTIBULAR. Identifiers: Orphanet 637, MedGen C0027832, MONDO:0007039, OMIM 101000. Disease mechanism: loss of function.

Submission:

Labcorp Genetics (formerly Invitae), Labcorp
Classification: Pathogenic for Neurofibromatosis, type 2. Last evaluated: 2024-12-15. Review status: criteria provided, single submitter. Criteria: Invitae Variant Classification Sherloc (09022015). Collection method: clinical testing. Allele origin: germline.
Comment: This sequence change creates a premature translational stop signal (p.Lys17Serfs*8) in the NF2 gene. It is expected to result in an absent or disrupted protein product. Loss-of-function variants in NF2 are known to be pathogenic (PMID: 9643284, 16983642). This variant is not present in population databases (gnomAD no frequency). This variant has not been reported in the literature in individuals affected with NF2-related conditions. For these reasons, this variant has been classified as Pathogenic.

Literature cited by the submitters: PubMed 9643284; PubMed 16983642.

NM_000268.4(NF2):c.50del (p.Lys17fs)

Gene: NF2 (NF2, moesin-ezrin-radixin like (MERLIN) tumor suppressor; plus strand). Cytogenetic location: 22q12.2.
Variant type: Deletion.
Coding change: c.50del on transcript NM_000268.4 (MANE Select); coding-DNA position 50, one base deleted (A; older notation c.50delA).
Protein change: p.Lys17fs; shifts the reading frame from lysine 17.
Molecular consequence: frameshift variant. On other transcripts: 5 prime UTR variant (4), non-coding transcript variant (1).
Genome position (GRCh38, 1-based): chr22:29,604,048, A deleted; the last of 2 consecutive A bases (chr22:29,604,047-29,604,048); deleting either gives the same sequence. VCF-style (leftmost placement, unchanged base first): chr22-29604046-GA-G. GRCh37 (hg19) VCF-style: chr22-30000035-GA-G.
Other names: c.-181del (NM_001407053.1, NM_001407056.1); c.50del, p.Lys17fs (NM_001407054.1, NM_001407055.1, NM_001407057.1 and 15 more transcripts); c.-591del (NM_001407065.1); c.-207del (NM_001407067.1); short protein forms K17fs.
Identifiers: ClinVar variation 3727284 (VCV003727284.2).
Genomic context (GRCh38, chr22:29,604,046, plus strand): 5'-TGAGCCCCGCGCCATGGCCGGGGCCATCGCTTCCCGCATGAGCTTCAGCTCTCTCAAGAG[GA>G]AGCAACCCAAGACGTTCACCGTGAGGATCGTCACCATGGACGCCGAGATGGAGTTCAATT-3'